The following is an entry in ClinVar:

ClinVar aggregate classification (germline): Likely pathogenic (0 of 4 stars; one submission).

Conditions:
Developmental cataract. Also called: Congenital cataracts; Bilateral cataracts; Congenital cataract. Identifiers: MedGen C0009691, HP:0000519.

Submission:

Dept. Genetics and Cancer, Menzies Institute for Medical Research, University of Tasmania
Classification: Likely pathogenic for Developmental cataract. Last evaluated: 2021-05-01. Review status: no assertion criteria provided. Criteria: ACMG Guidelines, 2015. Collection method: research. Allele origin: germline. Affected: yes.
Comment: PM1, PM2, PP1_strong, PP3. Variant located in functional protein region, a highly conserved DNA binding domain with multiple pathogenic variants. Absent/near absent from population databases. Segregation (strong) with the disease in one family previously reported with eight meioses (PMID: 29243736). Multiple predictive tools assessing variant as damaging/pathogenic.

NM_001374675.1(HSF4):c.190A>G (p.Lys64Glu)

Gene: HSF4 (heat shock transcription factor 4; plus strand). Cytogenetic location: 16q22.1.
Variant type: single nucleotide variant.
Coding change: c.190A>G on transcript NM_001374675.1 (MANE Select); coding-DNA position 190, A replaced by G.
Protein change: p.Lys64Glu; replaces lysine 64 with glutamic acid.
Molecular consequence: missense variant.
Genome position (GRCh38, 1-based): chr16:67,165,588, A>G. VCF-style: chr16-67165588-A-G. GRCh37 (hg19) VCF-style: chr16-67199491-A-G.
Other names: c.190A>G, p.Lys64Glu (NM_001040667.3, NM_001374674.1, NM_001538.4); short protein forms K64E.
Identifiers: ClinVar variation 1065585 (VCV001065585.1), dbSNP rs2145919289, ClinGen allele CA396263043.